The following is an entry in ClinVar:

ClinVar aggregate classification (germline): Benign/Likely benign. Review status: criteria provided, multiple submitters, no conflicts (2 of 4 stars). 7 submissions from 7 submitters: Benign (1); Likely benign (6). Last evaluated 2026-08-03.

Conditions:
Familial colorectal cancer type X. Identifiers: Orphanet 440437, MedGen C3896578, MONDO:0018604.
Diamond-Blackfan anemia. Also called: Blackfan Diamond syndrome; Aregenerative anemia chronic congenital; Red cell aplasia, pure hereditary; Congenital hypoplastic anemia; Aase syndrome. Identifiers: Orphanet 124, MedGen C1260899, MeSH D029503, MONDO:0015253, HP:0004810.
RPS20-related disorder. Also called: RPS20-related condition.

Allele frequency attached by ClinVar (database versions not stated): 1000 Genomes Project 0.00020; TOPMed 0.00029; gnomAD exomes 0.00047 and 0.00025; ExAC 0.00027; gnomAD 0.00025 and 0.00026; 1000 Genomes Project 30x 0.00016; ESP Exome Variant Server 0.00031.
gnomAD v4.1: 744 of 1,614,110 alleles (0.046%); highest among the groups gnomAD compares: Non-Finnish European, 0.055%; 1 homozygote.

Submissions (7):

Myriad Genetics, Inc.
Classification: Benign for Familial colorectal cancer type X. Last evaluated: 2026-08-03. Review status: criteria provided, single submitter. Criteria: Myriad Autosomal Dominant, Autosomal Recessive and X-Linked Classification Criteria (2023). Collection method: clinical testing. Allele origin: unknown.
Comment: This variant is considered benign. This variant is a silent/synonymous amino acid change and it is not expected to impact splicing.

PreventionGenetics, part of Exact Sciences
Classification: Likely benign for RPS20-related condition. Last evaluated: 2026-07-07. Review status: criteria provided, single submitter. Criteria: ACMG Guidelines, 2015. Collection method: clinical testing. Allele origin: germline.
Comment: This variant is classified as likely benign based on ACMG/AMP sequence variant interpretation guidelines (Richards et al. 2015 PMID: 25741868, with internal and published modifications).

Labcorp Genetics (formerly Invitae), Labcorp
Classification: Likely benign. Last evaluated: 2026-01-18. Review status: criteria provided, single submitter. Criteria: Invitae Variant Classification Sherloc (09022015). Collection method: clinical testing. Allele origin: germline.

Center for Genomic Medicine, Rigshospitalet, Copenhagen University Hospital
Classification: Likely benign. Last evaluated: 2025-03-04. Review status: criteria provided, single submitter. Criteria: ACMG Guidelines, 2015. Collection method: clinical testing. Allele origin: germline.

Department of Pathology and Laboratory Medicine, Sinai Health System
Classification: Likely benign for Diamond-Blackfan anemia; Familial colorectal cancer type X. Last evaluated: 2024-01-26. Review status: criteria provided, single submitter. Criteria: ACMG Guidelines, 2015. Collection method: clinical testing. Allele origin: germline. Affected: yes.

Blueprint Genetics
Classification: Likely benign. Last evaluated: 2023-07-21. Review status: criteria provided, single submitter. Criteria: ACMG Guidelines, 2015. Collection method: clinical testing. Allele origin: germline.

Ambry Genetics
Classification: Likely benign. Last evaluated: 2022-02-12. Review status: criteria provided, single submitter. Criteria: Ambry Variant Classification Scheme 2023. Collection method: clinical testing. Allele origin: germline.

NM_001023.4(RPS20):c.150G>A (p.Val50=)

Gene: RPS20 (ribosomal protein S20; minus strand). Cytogenetic location: 8q12.1.
Variant type: single nucleotide variant.
Coding change: c.150G>A on transcript NM_001023.4 (MANE Select); coding-DNA position 150, G replaced by A.
Protein change: p.Val50=; no amino-acid change (valine 50 retained).
Molecular consequence: synonymous variant.
Genome position (GRCh38, 1-based): chr8:56,073,722, C>T on the plus strand (G>A on the coding strand, the complement: RPS20 is on the minus strand). VCF-style: chr8-56073722-C-T. GRCh37 (hg19) VCF-style: chr8-56986281-C-T.
Other names: c.150G>A, p.Val50= (NM_001146227.3); c.150G>A (NM_001146227.1).
Identifiers: ClinVar variation 723615 (VCV000723615.21), dbSNP rs146149290, ClinGen allele CA4754368.